The following is an entry in ClinVar:

NM_007294.4(BRCA1):c.1116del (p.Pro371_Trp372insTer)

Gene: BRCA1 (BRCA1 DNA repair associated; minus strand). Cytogenetic location: 17q21.31.
Variant type: Deletion.
Coding change: c.1116del on transcript NM_007294.4 (MANE Select); coding-DNA position 1116, one base deleted (G; older notation c.1116delG).
Protein change: p.Pro371_Trp372insTer.
Molecular consequence: nonsense. On other transcripts: intron variant (137).
Genome position (GRCh38, 1-based): chr17:43,094,415, C deleted on the plus strand (G on the coding strand, the reverse complement: BRCA1 is on the minus strand); the first of 2 consecutive C bases (chr17:43,094,415-43,094,416); deleting either gives the same sequence. VCF-style (leftmost placement, unchanged base first): chr17-43094414-TC-T. GRCh37 (hg19) VCF-style: chr17-41246431-TC-T.
Other names: c.903del, p.Pro300_Trp301insTer (NM_001407571.1, NM_001407853.1, NM_001407894.1 and 9 more transcripts); c.1116del, p.Pro371_Trp372insTer (NM_001407581.1, NM_001407582.1, NM_001407583.1 and 30 more transcripts); c.1113del, p.Pro370_Trp371insTer (NM_001407587.1, NM_001407590.1, NM_001407591.1 and 22 more transcripts); c.1107del, p.Pro368_Trp369insTer (NM_001407646.1, NM_001407647.1); c.993del, p.Pro330_Trp331insTer (NM_001407648.1, NM_001407664.1, NM_001407665.1 and 19 more transcripts); c.990del, p.Pro329_Trp330insTer (NM_001407649.1, NM_001407670.1, NM_001407671.1 and 11 more transcripts); c.1038del, p.Pro345_Trp346insTer (NM_001407653.1, NM_001407654.1, NM_001407655.1 and 4 more transcripts); c.1035del, p.Pro344_Trp345insTer (NM_001407659.1, NM_001407660.1, NM_001407661.1 and 1 more transcripts); and 40 more.
Identifiers: ClinVar variation 3075802 (VCV003075802.1), dbSNP rs2552222387, ClinGen allele CA2825002517.
Genomic context (GRCh38, chr17:43,094,414, plus strand): 5'-ACAGTTCATCACTTCTGGAAAACCACTCATTAACTTTCTGAATGCTGCTATTTAGTGTTA[TC>T]CAAGGAACATCTTCAGTATCTCTAGGATTCTCTGAGCATGGCAGTTTCTGCTTATTCCAT-3'

ClinVar aggregate classification (germline): Pathogenic (1 of 4 stars; one submission).

Conditions:
Hereditary breast ovarian cancer syndrome. Also called: Hereditary breast and ovarian cancer syndrome; Hereditary breast and ovarian cancer; Hereditary breast and ovarian cancer syndrome (HBOC); Breast and ovarian cancer; Hereditary breast and/or ovarian cancer syndrome; BRCA1- and BRCA2-Associated Hereditary Breast and Ovarian Cancer. Identifiers: Orphanet 145, MedGen C0677776, MeSH D061325, MONDO:0003582. Disease mechanism: loss of function.

Submission:

Laboratory for Molecular Medicine, Mass General Brigham Personalized Medicine
Classification: Pathogenic for Hereditary breast ovarian cancer syndrome. Last evaluated: 2020-06-19. Review status: criteria provided, single submitter. Criteria: ACMG Guidelines, 2015. Collection method: clinical testing. Allele origin: germline.
Comment: The c.1116delG (p.Trp372X) variant in BRCA1 has not been reprted in individuals with BRCA1-related cancers or the general popultion. However, two different nucleotide changes (c.1116G>A and c.1115G>A) causing the same amino acid change (p.Trp372X) have been reported in at least 4 individuals with breast cancer (Shattuck-Eidens 1997, Couch 2015, Zhou 2004, Xu 2019) and one individual with melanoma (Susswein 2015). The c.1116delG nonsense variant leads to a premature termination codon at position 372, which is predicted to lead to a truncated or absent protein. Loss of function of the BRCA1 gene is an established disease mechanism in autosomal dominant hereditary breast and ovarian cancer (HBOC). In vitro functional studies provide some evidence that this amino acid change impacts protein function (Xu 2019). In summary, this variant meets criteria to be classified as pathogenic for autosomal dominant HBOC. ACMG/AMP Criteria applied: PVS1, PM2, PS1.

Literature cited by the submitters: PubMed 26681312; PubMed 31476665; PubMed 15059511; PubMed 9333265; PubMed 10644434; PubMed 25452441.